The following is an entry in ClinVar:

ClinVar aggregate classification (germline): Likely benign. Review status: criteria provided, multiple submitters, no conflicts (2 of 4 stars). 2 submissions from 2 submitters: Likely benign (2). Last evaluated 2025-09-18.

Conditions:
KCNK18-related disorder. Also called: KCNK18-related condition.

Allele frequency attached by ClinVar (database versions not stated): 1000 Genomes Project 30x 0.00047; 1000 Genomes Project 0.00060; TOPMed 0.00084; gnomAD 0.00092; gnomAD exomes 0.00109; ESP Exome Variant Server 0.00146.
gnomAD v4.1: 1,741 of 1,614,218 alleles (0.11%); highest among the groups gnomAD compares: Non-Finnish European, 0.14%; 2 homozygotes.

Submissions (2):

PreventionGenetics, part of Exact Sciences
Classification: Likely benign for KCNK18-related condition. Last evaluated: 2025-09-18. Review status: criteria provided, single submitter. Criteria: ACMG Guidelines, 2015. Collection method: clinical testing. Allele origin: germline.
Comment: This variant is classified as likely benign based on ACMG/AMP sequence variant interpretation guidelines (Richards et al. 2015 PMID: 25741868, with internal and published modifications).

Labcorp Genetics (formerly Invitae), Labcorp
Classification: Likely benign. Last evaluated: 2024-12-16. Review status: criteria provided, single submitter. Criteria: Invitae Variant Classification Sherloc (09022015). Collection method: clinical testing. Allele origin: germline.

NM_181840.1(KCNK18):c.718C>T (p.Leu240=)

Gene: KCNK18 (potassium two pore domain channel subfamily K member 18; plus strand). Cytogenetic location: 10q25.3.
Variant type: single nucleotide variant.
Coding change: c.718C>T on transcript NM_181840.1 (MANE Select); coding-DNA position 718, C replaced by T.
Protein change: p.Leu240=; no amino-acid change (leucine 240 retained).
Molecular consequence: synonymous variant.
Genome position (GRCh38, 1-based): chr10:117,209,862, C>T. VCF-style: chr10-117209862-C-T. GRCh37 (hg19) VCF-style: chr10-118969373-C-T.
Identifiers: ClinVar variation 2057882 (VCV002057882.5), dbSNP rs151190373, ClinGen allele CA5710062.